The following is an entry in ClinVar:

NM_021625.5(TRPV4):c.82G>C (p.Gly28Arg)

Gene: TRPV4 (transient receptor potential cation channel subfamily V member 4; minus strand). Cytogenetic location: 12q24.11.
Variant type: single nucleotide variant.
Coding change: c.82G>C on transcript NM_021625.5 (MANE Select); coding-DNA position 82, G replaced by C.
Protein change: p.Gly28Arg; replaces glycine 28 with arginine.
Molecular consequence: missense variant. On other transcripts: intron variant (1).
Genome position (GRCh38, 1-based): chr12:109,814,715, C>G on the plus strand (G>C on the coding strand, the complement: TRPV4 is on the minus strand). VCF-style: chr12-109814715-C-G. GRCh37 (hg19) VCF-style: chr12-110252520-C-G.
Other names: c.82G>C, p.Gly28Arg (NM_001177428.2, NM_001177433.2, NM_147204.3); c.79+3G>C (NM_001177431.1); short protein forms G28R.
Identifiers: ClinVar variation 3674468 (VCV003674468.3).

ClinVar aggregate classification (germline): Uncertain significance. Review status: criteria provided, multiple submitters, no conflicts (2 of 4 stars). 2 submissions from 2 submitters: Uncertain significance (2). Last evaluated 2025-04-03.

Conditions:
Charcot-Marie-Tooth disease axonal type 2C (HMSN2C). Also called: CHARCOT-MARIE-TOOTH DISEASE, AXONAL, AUTOSOMAL DOMINANT, TYPE 2C; Charcot-Marie-Tooth Neuropathy Type 2C; Charcot-Marie-Tooth Disease Type 2, TRPV4-Related (CMT2C). Identifiers: Orphanet 99937, MedGen C1853710, MONDO:0011633, OMIM 606071.
Inborn genetic diseases. Identifiers: MedGen C0950123, MeSH D030342.

gnomAD v4.1: 2 of 1,603,720 alleles (0.00012%); highest among the groups gnomAD compares: Non-Finnish European, 0.00017%; no homozygotes.

Submissions (2):

Ambry Genetics
Classification: Uncertain significance for Inborn genetic diseases. Last evaluated: 2025-04-03. Review status: criteria provided, single submitter. Criteria: Ambry Variant Classification Scheme 2023. Collection method: clinical testing. Allele origin: germline.

Labcorp Genetics (formerly Invitae), Labcorp
Classification: Uncertain significance for Charcot-Marie-Tooth disease axonal type 2C. Last evaluated: 2024-08-06. Review status: criteria provided, single submitter. Criteria: Invitae Variant Classification Sherloc (09022015). Collection method: clinical testing. Allele origin: germline.
Comment: This sequence change replaces glycine, which is neutral and non-polar, with arginine, which is basic and polar, at codon 28 of the TRPV4 protein (p.Gly28Arg). This variant is not present in population databases (gnomAD no frequency). This variant has not been reported in the literature in individuals affected with TRPV4-related conditions. Advanced modeling of protein sequence and biophysical properties (such as structural, functional, and spatial information, amino acid conservation, physicochemical variation, residue mobility, and thermodynamic stability) performed at Invitae indicates that this missense variant is not expected to disrupt TRPV4 protein function with a negative predictive value of 95%. In summary, the available evidence is currently insufficient to determine the role of this variant in disease. Therefore, it has been classified as a Variant of Uncertain Significance.